The following is an entry in ClinVar:

NM_020921.4(NIN):c.10G>C (p.Val4Leu)

Genes: NIN (ninein; minus strand), LOC105370489 (uncharacterized LOC105370489; plus strand). Cytogenetic location: 14q22.1.
Variant type: single nucleotide variant.
Coding change: c.10G>C on transcript NM_020921.4 (MANE Select); coding-DNA position 10, G replaced by C.
Protein change: p.Val4Leu; replaces valine 4 with leucine.
Molecular consequence: missense variant.
Genome position (GRCh38, 1-based): chr14:50,822,047, C>G on the plus strand (G>C on the coding strand, the complement: NIN is on the minus strand). VCF-style: chr14-50822047-C-G. GRCh37 (hg19) VCF-style: chr14-51288765-C-G.
Other names: c.10G>C, p.Val4Leu (NM_016350.5, NM_182944.3, NM_182946.2); short protein forms V4L.
Identifiers: ClinVar variation 2467475 (VCV002467475.5), dbSNP rs1044549154, ClinGen allele CA260854068.

ClinVar aggregate classification (germline): Uncertain significance. Review status: criteria provided, multiple submitters, no conflicts (2 of 4 stars). 2 submissions from 2 submitters: Uncertain significance (2). Last evaluated 2025-06-10.

Allele frequency attached by ClinVar (database versions not stated): gnomAD 0.00006; TOPMed 0.00008.
gnomAD v4.1: 17 of 1,613,000 alleles (0.0011%); highest among the groups gnomAD compares: African/African-American, 0.023%; no homozygotes.

Submissions (2):

Ambry Genetics
Classification: Uncertain significance. Last evaluated: 2025-06-10. Review status: criteria provided, single submitter. Criteria: Ambry Variant Classification Scheme 2023. Collection method: clinical testing. Allele origin: germline.

Labcorp Genetics (formerly Invitae), Labcorp
Classification: Uncertain significance. Last evaluated: 2024-11-29. Review status: criteria provided, single submitter. Criteria: Invitae Variant Classification Sherloc (09022015). Collection method: clinical testing. Allele origin: germline.
Comment: This sequence change replaces valine, which is neutral and non-polar, with leucine, which is neutral and non-polar, at codon 4 of the NIN protein (p.Val4Leu). This variant is present in population databases (no rsID available, gnomAD 0.06%). This variant has not been reported in the literature in individuals affected with NIN-related conditions. ClinVar contains an entry for this variant (Variation ID: 2467475). An algorithm developed to predict the effect of missense changes on protein structure and function (PolyPhen-2) suggests that this variant is likely to be tolerated. In summary, the available evidence is currently insufficient to determine the role of this variant in disease. Therefore, it has been classified as a Variant of Uncertain Significance.